The following is an entry in ClinVar:

ClinVar aggregate classification (germline): Likely benign. Review status: criteria provided, multiple submitters, no conflicts (2 of 4 stars). 2 submissions from 2 submitters: Likely benign (2). Last evaluated 2026-01-06.

Allele frequency attached by ClinVar (database versions not stated): ExAC 0.00002; gnomAD exomes 0.00002; gnomAD 0.00006; TOPMed 0.00009.

Submissions (2):

Labcorp Genetics (formerly Invitae), Labcorp
Classification: Likely benign. Last evaluated: 2026-01-06. Review status: criteria provided, single submitter. Criteria: Invitae Variant Classification Sherloc (09022015). Collection method: clinical testing. Allele origin: germline.

Mayo Clinic Laboratories, Mayo Clinic
Classification: Likely benign. Last evaluated: 2025-05-07. Review status: criteria provided, single submitter. Criteria: ACMG Guidelines, 2015. Collection method: clinical testing. Allele origin: germline. Observed: 1 variant allele.
Comment: BP4, BP5, BP7

NM_145868.2(ANXA11):c.1449C>T (p.His483=)

Gene: ANXA11 (annexin A11; minus strand). Cytogenetic location: 10q22.3.
Variant type: single nucleotide variant.
Coding change: c.1449C>T on transcript NM_145868.2 (MANE Select); coding-DNA position 1449, C replaced by T.
Protein change: p.His483=; no amino-acid change (histidine 483 retained).
Molecular consequence: synonymous variant.
Genome position (GRCh38, 1-based): chr10:80,157,650, G>A on the plus strand (C>T on the coding strand, the complement: ANXA11 is on the minus strand). VCF-style: chr10-80157650-G-A. GRCh37 (hg19) VCF-style: chr10-81917406-G-A.
Other names: p.His483=; c.1449C>T, p.His483= (NM_001157.3, NM_001278407.2, NM_001278408.2 and 1 more transcripts); c.1350C>T, p.His450= (NM_001278409.2).
Identifiers: ClinVar variation 1931024 (VCV001931024.6), dbSNP rs749668544, ClinGen allele CA5575764.
Genomic context (GRCh38, chr10:80,157,650, plus strand): 5'-GGTGACTGAGATGCCAAAAGGGAGCCCAGTTGGCCTGCAGCAGGCCCGTACCGAGATGTC[G>A]TGGTACAGCGACTTGCCGTACATCCGCTTATACTCTGATCTGATGTCCAGGAGGTCGGTC-3'
Protein context (NP_665875.1, residues 473-493): YKRMYGKSLY[His483=]DISGDTSGDY